The following is an entry in ClinVar:

NM_004646.4(NPHS1):c.264C>A (p.Asp88Glu)

Genes: KIRREL2 (kirre like nephrin family adhesion molecule 2; plus strand), NPHS1 (NPHS1 adhesion molecule, nephrin; minus strand). Cytogenetic location: 19q13.12.
Variant type: single nucleotide variant.
Coding change: c.264C>A on transcript NM_004646.4 (MANE Select); coding-DNA position 264, C replaced by A.
Protein change: p.Asp88Glu; replaces aspartic acid 88 with glutamic acid.
Molecular consequence: missense variant.
Genome position (GRCh38, 1-based): chr19:35,851,467, G>T on the plus strand (C>A on the coding strand, the complement: NPHS1 is on the minus strand). VCF-style: chr19-35851467-G-T. GRCh37 (hg19) VCF-style: chr19-36342369-G-T.
Other names: short protein forms D88E.
Identifiers: ClinVar variation 2895127 (VCV002895127.1), dbSNP rs1973259133, ClinGen allele CA405411301.
Genomic context (GRCh38, chr19:35,851,467, plus strand): 5'-GGGCCGCAGCTTCCGCTGGTGGCTGAGGGTCTCAGGCTCTGATCCCTTACCTCTAGCAGG[G>T]TCCCCTTCCAGGCGGTACCTCGGGAAGCCTGGGATCCTGGGGTCGGGGCCCAGGAGCAGC-3'
Protein context (NP_004637.1, residues 78-98): PGFPRYRLEG[Asp88Glu]PARGEFHLHI

ClinVar aggregate classification (germline): Uncertain significance (1 of 4 stars; one submission).

Allele frequency attached by ClinVar (database versions not stated): gnomAD exomes below 0.00001.
gnomAD v4.1: 2 of 1,613,474 alleles (0.00012%); highest among the groups gnomAD compares: African/African-American, 0.0027%; no homozygotes.

Submission:

Labcorp Genetics (formerly Invitae), Labcorp
Classification: Uncertain significance. Last evaluated: 2023-09-13. Review status: criteria provided, single submitter. Criteria: Invitae Variant Classification Sherloc (09022015). Collection method: clinical testing. Allele origin: germline.
Comment: In summary, the available evidence is currently insufficient to determine the role of this variant in disease. Therefore, it has been classified as a Variant of Uncertain Significance. Advanced modeling of protein sequence and biophysical properties (such as structural, functional, and spatial information, amino acid conservation, physicochemical variation, residue mobility, and thermodynamic stability) performed at Invitae indicates that this missense variant is not expected to disrupt NPHS1 protein function. This variant has not been reported in the literature in individuals affected with NPHS1-related conditions. This variant is not present in population databases (gnomAD no frequency). This sequence change replaces aspartic acid, which is acidic and polar, with glutamic acid, which is acidic and polar, at codon 88 of the NPHS1 protein (p.Asp88Glu).